The following is an entry in ClinVar:

NM_004380.3(CREBBP):c.5902C>T (p.Gln1968Ter)

Gene: CREBBP (CREB binding lysine acetyltransferase; minus strand). Cytogenetic location: 16p13.3.
Variant type: single nucleotide variant.
Coding change: c.5902C>T on transcript NM_004380.3 (MANE Select); coding-DNA position 5902, C replaced by T.
Protein change: p.Gln1968Ter; replaces glutamine 1968 with a stop codon.
Molecular consequence: nonsense.
Genome position (GRCh38, 1-based): chr16:3,729,145, G>A on the plus strand (C>T on the coding strand, the complement: CREBBP is on the minus strand). VCF-style: chr16-3729145-G-A. GRCh37 (hg19) VCF-style: chr16-3779146-G-A.
Other names: c.5788C>T, p.Gln1930Ter (NM_001079846.1); short protein forms Q1930*, Q1968*.
Identifiers: ClinVar variation 2706859 (VCV002706859.3), dbSNP rs2151307419, ClinGen allele CA394555039.

ClinVar aggregate classification (germline): Pathogenic (1 of 4 stars; one submission).

Conditions:
Rubinstein-Taybi syndrome (RSTS). Identifiers: Orphanet 783, MedGen C0035934, MONDO:0019188.

Submission:

Labcorp Genetics (formerly Invitae), Labcorp
Classification: Pathogenic for Rubinstein-Taybi syndrome. Last evaluated: 2023-12-31. Review status: criteria provided, single submitter. Criteria: Invitae Variant Classification Sherloc (09022015). Collection method: clinical testing. Allele origin: germline.
Comment: This sequence change creates a premature translational stop signal (p.Gln1968*) in the CREBBP gene. While this is not anticipated to result in nonsense mediated decay, it is expected to disrupt the last 475 amino acid(s) of the CREBBP protein. This variant is not present in population databases (gnomAD no frequency). This variant has not been reported in the literature in individuals affected with CREBBP-related conditions. This variant disrupts a region of the CREBBP protein in which other variant(s) (p.Gln2136Argfs*8) have been determined to be pathogenic (Invitae). This suggests that this is a clinically significant region of the protein, and that variants that disrupt it are likely to be disease-causing. For these reasons, this variant has been classified as Pathogenic.